The following is an entry in ClinVar:

ClinVar aggregate classification (germline): Conflicting classifications of pathogenicity. Review status: criteria provided, conflicting classifications (1 of 4 stars). 4 submissions from 4 submitters: Uncertain significance (3); Likely benign (1). Last evaluated 2025-12-17.

Conditions:
LZTR1-related schwannomatosis. Also called: Schwannomatosis-2, susceptibility to; Schwannomatosis 2. Identifiers: Orphanet 93921, MedGen C3810283, MONDO:0014299, OMIM 615670.
Hereditary cancer-predisposing syndrome. Also called: Hereditary Cancer Syndrome; Hereditary neoplastic syndrome; Tumor predisposition; Neoplastic Syndromes, Hereditary. Identifiers: Orphanet 140162, MedGen C0027672, MeSH D009386, MONDO:0015356.
Cardiovascular phenotype. Identifiers: MedGen CN230736.

Allele frequency attached by ClinVar (database versions not stated): gnomAD 0.00001; TOPMed 0.00001.
gnomAD v4.1: 26 of 1,613,620 alleles (0.0016%); highest among the groups gnomAD compares: East Asian, 0.0045%; no homozygotes.

Submissions (4):

Labcorp Genetics (formerly Invitae), Labcorp
Classification: Uncertain significance. Last evaluated: 2025-12-17. Review status: criteria provided, single submitter. Criteria: Invitae Variant Classification Sherloc (09022015). Collection method: clinical testing. Allele origin: germline.
Comment: This sequence change replaces serine, which is neutral and polar, with leucine, which is neutral and non-polar, at codon 811 of the LZTR1 protein (p.Ser811Leu). This variant is present in population databases (rs769880462, gnomAD 0.006%). This variant has not been reported in the literature in individuals affected with LZTR1-related conditions. ClinVar contains an entry for this variant (Variation ID: 1401764). Invitae Evidence Modeling of protein sequence and biophysical properties (such as structural, functional, and spatial information, amino acid conservation, physicochemical variation, residue mobility, and thermodynamic stability) indicates that this missense variant is not expected to disrupt LZTR1 protein function with a negative predictive value of 80%. In summary, the available evidence is currently insufficient to determine the role of this variant in disease. Therefore, it has been classified as a Variant of Uncertain Significance.

Ambry Genetics
Classification: Likely benign for Cardiovascular phenotype; Hereditary cancer-predisposing syndrome. Last evaluated: 2024-12-14. Review status: criteria provided, single submitter. Criteria: Ambry Variant Classification Scheme 2023. Collection method: clinical testing. Allele origin: germline.

Baylor Genetics
Classification: Uncertain significance for LZTR1-related schwannomatosis. Last evaluated: 2023-11-27. Review status: criteria provided, single submitter. Criteria: ACMG Guidelines, 2015. Collection method: clinical testing. Allele origin: unknown.

GeneDx
Classification: Uncertain significance. Last evaluated: 2023-01-13. Review status: criteria provided, single submitter. Criteria: GeneDx Variant Classification Process June 2021. Collection method: clinical testing. Allele origin: germline. Affected: yes.
Comment: Not observed at significant frequency in large population cohorts (gnomAD); In silico analysis supports that this missense variant does not alter protein structure/function; Has not been previously published as pathogenic or benign to our knowledge

NM_006767.4(LZTR1):c.2432C>T (p.Ser811Leu)

Gene: LZTR1 (leucine zipper like post translational regulator 1; plus strand). Cytogenetic location: 22q11.21.
Variant type: single nucleotide variant.
Coding change: c.2432C>T on transcript NM_006767.4 (MANE Select); coding-DNA position 2432, C replaced by T.
Protein change: p.Ser811Leu; replaces serine 811 with leucine.
Molecular consequence: missense variant.
Genome position (GRCh38, 1-based): chr22:20,997,257, C>T. VCF-style: chr22-20997257-C-T. GRCh37 (hg19) VCF-style: chr22-21351546-C-T.
Other names: short protein forms S811L.
Identifiers: ClinVar variation 1401764 (VCV001401764.9), dbSNP rs769880462, ClinGen allele CA10119461.
Genomic context (GRCh38, chr22:20,997,257, plus strand): 5'-TGGTCCCATCTCCTTCCGGCCTGCTTGCCTTACAGGTCTCCAAGTTGCCCACCCTGCGGT[C>T]GCTGAGCCAGCAGCTGCTGCTGGACATCATAGACTCCCTGGCCTCCCACATCTCAGACAA-3'
Protein context (NP_006758.2, residues 801-821): TKVSKLPTLR[Ser811Leu]LSQQLLLDII